The following is an entry in ClinVar:

NM_024675.4(PALB2):c.3551del (p.His1184fs)

Gene: PALB2 (partner and localizer of BRCA2; minus strand). Cytogenetic location: 16p12.2.
Variant type: Deletion.
Coding change: c.3551del on transcript NM_024675.4 (MANE Select); coding-DNA position 3551, one base deleted (A; older notation c.3551delA).
Protein change: p.His1184fs; shifts the reading frame from histidine 1184.
Molecular consequence: frameshift variant.
Genome position (GRCh38, 1-based): chr16:23,603,469, T deleted on the plus strand (A on the coding strand, the reverse complement: PALB2 is on the minus strand). VCF-style (leftmost placement, unchanged base first): chr16-23603468-GT-G. GRCh37 (hg19) VCF-style: chr16-23614789-GT-G.
Other names: c.3551del (NM_024675.3); short protein forms H1184fs.
Identifiers: ClinVar variation 823918 (VCV000823918.13), dbSNP rs1597061743, ClinGen allele CA915949153.

ClinVar aggregate classification (germline): Uncertain significance. Review status: criteria provided, multiple submitters, no conflicts (2 of 4 stars). 2 submissions from 2 submitters: Uncertain significance (2). Last evaluated 2024-03-26.

Conditions:
Hereditary cancer-predisposing syndrome. Also called: Neoplastic Syndromes, Hereditary; Tumor predisposition; Hereditary neoplastic syndrome; Hereditary Cancer Syndrome. Identifiers: Orphanet 140162, MedGen C0027672, MeSH D009386, MONDO:0015356.
Familial cancer of breast. Also called: BREAST CANCER, FAMILIAL; Hereditary breast cancer; hereditary breast carcinoma. Identifiers: Orphanet 227535, MedGen C0346153, MONDO:0016419, OMIM 114480. Disease mechanism: loss of function.

Allele frequency attached by ClinVar (database versions not stated): gnomAD exomes below 0.00001.

Submissions (2):

Labcorp Genetics (formerly Invitae), Labcorp
Classification: Uncertain significance for Familial cancer of breast. Last evaluated: 2024-03-26. Review status: criteria provided, single submitter. Criteria: Invitae Variant Classification Sherloc (09022015). Collection method: clinical testing. Allele origin: germline.
Comment: This sequence change results in a frameshift in the PALB2 gene (p.His1184Profs*7). While this is not anticipated to result in nonsense mediated decay, it is expected to disrupt the last 3 amino acid(s) of the PALB2 protein and extend the protein by 3 additional amino acid residues. This variant is not present in population databases (gnomAD no frequency). This variant has not been reported in the literature in individuals affected with PALB2-related conditions. ClinVar contains an entry for this variant (Variation ID: 823918). Experimental studies and prediction algorithms are not available or were not evaluated, and the functional significance of this variant is currently unknown. In summary, the available evidence is currently insufficient to determine the role of this variant in disease. Therefore, it has been classified as a Variant of Uncertain Significance.

Ambry Genetics
Classification: Uncertain significance for Hereditary cancer-predisposing syndrome. Last evaluated: 2019-02-25. Review status: criteria provided, single submitter. Criteria: Ambry Variant Classification Scheme 2023. Collection method: clinical testing. Allele origin: germline.
Comment: The c.3551delA variant, located in coding exon 13 of the PALB2 gene, results from a deletion of one nucleotide at nucleotide position 3551, causing a translational frameshift with three altered amino acids and a predicted alternate stop codon (p.H1184Pfs*7). Frameshifts are typically deleterious in nature, however, this frameshift occurs at the 3' terminus of PALB2, is not expected to trigger nonsense-mediated mRNA decay, and results in the elongation of the protein by 4 amino acids. The exact functional impact of these inserted amino acids is unknown at this time.